The following is an entry in ClinVar:

ClinVar aggregate classification (germline): Likely benign. Review status: criteria provided, multiple submitters, no conflicts (2 of 4 stars). 2 submissions from 2 submitters: Likely benign (2). Last evaluated 2026-01-24.

Conditions:
Atransferrinemia. Also called: Familial hypotransferrinemia. Identifiers: Orphanet 1195, MedGen C0521802, MONDO:0008846, OMIM 209300, HP:0012239.

Allele frequency attached by ClinVar (database versions not stated): gnomAD 0.00013 and 0.00020; gnomAD exomes 0.00043 and 0.00016; 1000 Genomes Project 30x 0.00219; TOPMed 0.00021; ESP Exome Variant Server 0.00015; ExAC 0.00044; 1000 Genomes Project 0.00180.
gnomAD v4.1: 271 of 1,614,062 alleles (0.017%); highest among the groups gnomAD compares: East Asian, 0.43%; 1 homozygote.

Submissions (2):

Labcorp Genetics (formerly Invitae), Labcorp
Classification: Likely benign. Last evaluated: 2026-01-24. Review status: criteria provided, single submitter. Criteria: Invitae Variant Classification Sherloc (09022015). Collection method: clinical testing. Allele origin: germline.

Illumina Laboratory Services, Illumina
Classification: Likely benign for Atransferrinemia. Last evaluated: 2018-01-12. Review status: criteria provided, single submitter. Criteria: ICSL Variant Classification Criteria 13 December 2019. Collection method: clinical testing. Allele origin: germline.
Comment: This variant was observed in the ICSL laboratory as part of a predisposition screen in an ostensibly healthy population. It had not been previously curated by ICSL or reported in the Human Gene Mutation Database (HGMD: prior to June 1st, 2018), and was therefore a candidate for classification through an automated scoring system. Utilizing variant allele frequency, disease prevalence and penetrance estimates, and inheritance mode, an automated score was calculated to assess if this variant is too frequent to cause the disease. Based on the score and internal cut-off values, a variant classified as likely benign is not then subjected to further curation. The score for this variant resulted in a classification of likely benign for this disease.

NM_001063.4(TF):c.227C>T (p.Ala76Val)

Gene: TF (transferrin; plus strand). Cytogenetic location: 3q22.1.
Variant type: single nucleotide variant.
Coding change: c.227C>T on transcript NM_001063.4 (MANE Select); coding-DNA position 227, C replaced by T.
Protein change: p.Ala76Val; replaces alanine 76 with valine.
Molecular consequence: missense variant. On other transcripts: 5 prime UTR variant (1).
Genome position (GRCh38, 1-based): chr3:133,753,605, C>T. VCF-style: chr3-133753605-C-T. GRCh37 (hg19) VCF-style: chr3-133472449-C-T.
Other names: c.95C>T, p.Ala32Val (NM_001354703.2); c.-155C>T (NM_001354704.2); short protein forms A32V, A76V.
Identifiers: ClinVar variation 902173 (VCV000902173.7), dbSNP rs41298977, ClinGen allele CA2624918.